The following is an entry in ClinVar:

NM_015874.6(RBPJ):c.888+4T>G

Gene: RBPJ (recombination signal binding protein for immunoglobulin kappa J region; plus strand). Cytogenetic location: 4p15.2.
Variant type: single nucleotide variant.
Coding change: c.888+4T>G on transcript NM_015874.6 (MANE Select); 4 bases into the intron after coding-DNA position 888, T replaced by G.
Molecular consequence: intron variant.
Genome position (GRCh38, 1-based): chr4:26,428,864, T>G. VCF-style: chr4-26428864-T-G. GRCh37 (hg19) VCF-style: chr4-26430486-T-G.
Other names: c.885+4T>G (NM_001374401.1, NM_001379407.1, NM_001379406.1 and 3 more transcripts); c.927+4T>G (NM_005349.4, NM_001379408.1, NM_001374400.1); c.822+4T>G (NM_203283.5, NM_001363577.2); c.882+4T>G (NM_001379409.1).
Identifiers: ClinVar variation 2990563 (VCV002990563.3), dbSNP rs1431429959, ClinGen allele CA1445819379.

ClinVar aggregate classification (germline): Uncertain significance (1 of 4 stars; one submission).

gnomAD v4.1: 4 of 1,595,028 alleles (0.00025%); highest among the groups gnomAD compares: Admixed American, 0.0034%; no homozygotes.

Submission:

Labcorp Genetics (formerly Invitae), Labcorp
Classification: Uncertain significance. Last evaluated: 2024-04-03. Review status: criteria provided, single submitter. Criteria: Invitae Variant Classification Sherloc (09022015). Collection method: clinical testing. Allele origin: germline.
Comment: This sequence change falls in intron 9 of the RBPJ gene. It does not directly change the encoded amino acid sequence of the RBPJ protein. It affects a nucleotide within the consensus splice site. This variant is not present in population databases (gnomAD no frequency). This variant has not been reported in the literature in individuals affected with RBPJ-related conditions. Variants that disrupt the consensus splice site are a relatively common cause of aberrant splicing (PMID: 17576681, 9536098). Algorithms developed to predict the effect of sequence changes on RNA splicing suggest that this variant is not likely to affect RNA splicing. In summary, the available evidence is currently insufficient to determine the role of this variant in disease. Therefore, it has been classified as a Variant of Uncertain Significance.

Literature cited by the submitters: PubMed 17576681; PubMed 9536098.